The following is an entry in ClinVar:

NM_001291415.2(KDM6A):c.4120C>T (p.Arg1374Trp)

Gene: KDM6A (lysine demethylase 6A; plus strand). Cytogenetic location: Xp11.3.
Variant type: single nucleotide variant.
Coding change: c.4120C>T on transcript NM_001291415.2 (MANE Select); coding-DNA position 4120, C replaced by T.
Protein change: p.Arg1374Trp; replaces arginine 1374 with tryptophan.
Molecular consequence: missense variant. On other transcripts: non-coding transcript variant (1).
Genome position (GRCh38, 1-based): chrX:45,107,495, C>T. VCF-style: chrX-45107495-C-T. GRCh37 (hg19) VCF-style: chrX-44966740-C-T.
Other names: c.3970C>T, p.Arg1324Trp (NM_001419814.1); c.3835C>T, p.Arg1279Trp (NM_001419815.1); c.3964C>T, p.Arg1322Trp (NM_021140.4); c.3985C>T, p.Arg1329Trp (NM_001291416.2); c.3829C>T, p.Arg1277Trp (NM_001291417.2); c.3727C>T, p.Arg1243Trp (NM_001291418.2); c.3076C>T, p.Arg1026Trp (NM_001291421.2); c.3862C>T, p.Arg1288Trp (NM_001410742.1); and 6 more; short protein forms R1026W, R1243W, R1277W, R1279W, R1288W, R1322W, R1324W, R1329W.
Identifiers: ClinVar variation 4801141 (VCV004801141.2).

ClinVar aggregate classification (germline): Uncertain significance. Review status: criteria provided, multiple submitters, no conflicts (2 of 4 stars). 2 submissions from 2 submitters: Uncertain significance (2). Last evaluated 2026-08-31.

Conditions:
Kabuki syndrome 2 (KABUK2). Also called: KDM6A-Related Kabuki Syndrome. Identifiers: Orphanet 2322, MedGen C3275495, MONDO:0010465, OMIM 300867.
Inborn genetic diseases. Identifiers: MedGen C0950123, MeSH D030342.

gnomAD v4.1: 5 of 1,207,816 alleles (0.00041%); highest among the groups gnomAD compares: Non-Finnish European, 0.00034%; no homozygotes.

Submissions (2):

Ambry Genetics
Classification: Uncertain significance for Inborn genetic diseases. Last evaluated: 2026-08-31. Review status: criteria provided, single submitter. Criteria: Ambry Variant Classification Scheme 2023. Collection method: clinical testing. Allele origin: germline.
Comment: The c.3964C>T (p.R1322W) alteration is located in exon 27 (coding exon 27) of the KDM6A gene. This alteration results from a C to T substitution at nucleotide position 3964, causing the arginine (R) at amino acid position 1322 to be replaced by a tryptophan (W). Based on data from gnomAD, the T allele has an overall frequency of <0.001% (1/183323) total alleles studied. The highest observed frequency was 0.001% (1/81835) of European (non-Finnish) alleles. Based on insufficient or conflicting evidence, the clinical significance of this alteration remains unclear.

Labcorp Genetics (formerly Invitae), Labcorp
Classification: Uncertain significance for Kabuki syndrome 2. Last evaluated: 2025-10-29. Review status: criteria provided, single submitter. Criteria: Invitae Variant Classification Sherloc (09022015). Collection method: clinical testing. Allele origin: germline.
Comment: This sequence change replaces arginine, which is basic and polar, with tryptophan, which is neutral and slightly polar, at codon 1322 of the KDM6A protein (p.Arg1322Trp). This variant is present in population databases (rs774435049, gnomAD 0.001%). This variant has not been reported in the literature in individuals affected with KDM6A-related conditions. Invitae Evidence Modeling of protein sequence and biophysical properties (such as structural, functional, and spatial information, amino acid conservation, physicochemical variation, residue mobility, and thermodynamic stability) has been performed for this missense variant. However, the output from this modeling did not meet the statistical confidence thresholds required to predict the impact of this variant on KDM6A protein function. In summary, the available evidence is currently insufficient to determine the role of this variant in disease. Therefore, it has been classified as a Variant of Uncertain Significance.